The following is an entry in ClinVar:

NM_004304.5(ALK):c.1728G>T (p.Glu576Asp)

Gene: ALK (ALK receptor tyrosine kinase; minus strand). Cytogenetic location: 2p23.2.
Variant type: single nucleotide variant.
Coding change: c.1728G>T on transcript NM_004304.5 (MANE Select); coding-DNA position 1728, G replaced by T.
Protein change: p.Glu576Asp; replaces glutamic acid 576 with aspartic acid.
Molecular consequence: missense variant.
Genome position (GRCh38, 1-based): chr2:29,296,977, C>A on the plus strand (G>T on the coding strand, the complement: ALK is on the minus strand). VCF-style: chr2-29296977-C-A. GRCh37 (hg19) VCF-style: chr2-29519843-C-A.
Other names: short protein forms E576D.
Identifiers: ClinVar variation 1042894 (VCV001042894.11), dbSNP rs765326883, ClinGen allele CA346466279.
Genomic context (GRCh38, chr2:29,296,977, plus strand): 5'-CATCCACTGCCACAGGCTCAAGCCTTCATAGGCGGCGACATGCCAGACCATCCTGCCTTG[C>A]TCCTTCCCGGTTTTGTTCTCCACTAGCACCAAGGACACGTTTCCCCTCAAGACTCCACGA-3'
Protein context (NP_004295.2, residues 566-586): LVLVENKTGK[Glu576Asp]QGRMVWHVAA

ClinVar aggregate classification (germline): Uncertain significance. Review status: criteria provided, multiple submitters, no conflicts (2 of 4 stars). 2 submissions from 2 submitters: Uncertain significance (2). Last evaluated 2024-04-22.

Conditions:
Neuroblastoma, susceptibility to, 3. Also called: ALK-Related Neuroblastic Tumor Susceptibility. Identifiers: Orphanet 635, MedGen C2751681, MONDO:0013083, OMIM 613014.
Hereditary cancer-predisposing syndrome. Also called: Hereditary neoplastic syndrome; Neoplastic Syndromes, Hereditary; Tumor predisposition; Hereditary Cancer Syndrome. Identifiers: Orphanet 140162, MedGen C0027672, MeSH D009386, MONDO:0015356.

Submissions (2):

Labcorp Genetics (formerly Invitae), Labcorp
Classification: Uncertain significance for Neuroblastoma, susceptibility to, 3. Last evaluated: 2024-04-22. Review status: criteria provided, single submitter. Criteria: Invitae Variant Classification Sherloc (09022015). Collection method: clinical testing. Allele origin: germline.
Comment: This sequence change replaces glutamic acid, which is acidic and polar, with aspartic acid, which is acidic and polar, at codon 576 of the ALK protein (p.Glu576Asp). This variant is not present in population databases (gnomAD no frequency). This variant has not been reported in the literature in individuals affected with ALK-related conditions. ClinVar contains an entry for this variant (Variation ID: 1042894). An algorithm developed to predict the effect of missense changes on protein structure and function (PolyPhen-2) suggests that this variant is likely to be disruptive. In summary, the available evidence is currently insufficient to determine the role of this variant in disease. Therefore, it has been classified as a Variant of Uncertain Significance.

Ambry Genetics
Classification: Uncertain significance for Hereditary cancer-predisposing syndrome. Last evaluated: 2022-02-07. Review status: criteria provided, single submitter. Criteria: Ambry Variant Classification Scheme 2023. Collection method: clinical testing. Allele origin: germline.
Comment: The p.E576D variant (also known as c.1728G>T), located in coding exon 9 of the ALK gene, results from a G to T substitution at nucleotide position 1728. The glutamic acid at codon 576 is replaced by aspartic acid, an amino acid with highly similar properties. This amino acid position is conserved. In addition, this alteration is predicted to be tolerated by in silico analysis. Since supporting evidence is limited at this time, the clinical significance of this alteration remains unclear.